The following is an entry in ClinVar:

ClinVar aggregate classification (germline): Likely benign. Review status: criteria provided, single submitter (1 of 4 stars). 2 submissions from 2 submitters: Likely benign (1). 1 of the submissions does not count toward it. Last evaluated 2023-07-13.

Conditions:
TBCD-related disorder. Also called: TBCD-related condition.

Allele frequency attached by ClinVar (database versions not stated): gnomAD exomes 0.00001; gnomAD 0.00003; TOPMed 0.00006.
gnomAD v4.1: 10 of 1,485,806 alleles (0.00067%); highest among the groups gnomAD compares: Admixed American, 0.0093%; no homozygotes.

Submissions (2):

Labcorp Genetics (formerly Invitae), Labcorp
Classification: Likely benign. Last evaluated: 2023-07-13. Review status: criteria provided, single submitter. Criteria: Invitae Variant Classification Sherloc (09022015). Collection method: clinical testing. Allele origin: germline.

PreventionGenetics, part of Exact Sciences
Classification: Likely benign for TBCD-related condition. Last evaluated: 2021-09-27. Review status: no assertion criteria provided. Collection method: clinical testing. Allele origin: germline. Not counted in ClinVar's aggregate classification.
Comment: This variant is classified as likely benign based on ACMG/AMP sequence variant interpretation guidelines (Richards et al. 2015 PMID: 25741868, with internal and published modifications).

NM_005993.5(TBCD):c.123C>T (p.Gly41=)

Genes: TBCD (tubulin folding cofactor D), LOC130062062 (ATAC-STARR-seq lymphoblastoid silent region 9229; plus strand). Cytogenetic location: 17q25.3.
Variant type: single nucleotide variant.
Coding change: c.123C>T on transcript NM_005993.5 (MANE Select); coding-DNA position 123, C replaced by T.
Protein change: p.Gly41=; no amino-acid change (glycine 41 retained).
Molecular consequence: synonymous variant.
Genome position (GRCh38, 1-based): chr17:82,752,316, C>T. VCF-style: chr17-82752316-C-T. GRCh37 (hg19) VCF-style: chr17-80710192-C-T.
Other names: c.123C>T (NM_005993.4); c.123C>T, p.Gly41= (NM_001411101.1, NM_001411102.1).
Identifiers: ClinVar variation 2899527 (VCV002899527.5), dbSNP rs1028253262, ClinGen allele CA295248584.